The following is an entry in ClinVar:

ClinVar aggregate classification (germline): Pathogenic (1 of 4 stars; one submission).

Submission:

Clinical Genomics Laboratory, Laboratory for Precision Diagnostics, University of Washington
Classification: Pathogenic. Last evaluated: 2021-12-07. Review status: criteria provided, single submitter. Criteria: ACMG/ClinGen CNV Guidelines, 2019. Collection method: clinical testing. Allele origin: unknown. Affected: yes. Observed: 1 variant allele.
Comment: A pathogenic deletion of 2q11.1q11.2 was detected that includes TMEM127. Heterozygous loss of function variants in TMEM127 are associated with hereditary paraganglioma-pheochromocytoma.

Literature cited by the submitters: PubMed 25217958; PubMed 25389632.

GRCh38/hg38 2q11.1-11.2(chr2:95875947-97355895)x1

Genes: ADRA2B (adrenoceptor alpha 2B; minus strand), ANKRD23 (ankyrin repeat domain 23; minus strand), ANKRD36 (ankyrin repeat domain 36; plus strand), ANKRD36C (ankyrin repeat domain 36C; minus strand), ANKRD39 (ankyrin repeat domain 39; minus strand) and 123 more. Cytogenetic location: 2q11.1-11.2.
Variant type: copy number loss.
Change: copy number 1 (one copy instead of two) of chr2:95,875,947-97,355,895 (1.48 Mb, GRCh38 coordinates, 1-based), cytogenetic band 2q11.1-11.2.
Identifiers: ClinVar variation 4755375 (VCV004755375.1).